The following is an entry in ClinVar:

NM_007317.3(KIF22):c.1610-7C>T

Gene: KIF22 (kinesin family member 22; plus strand). Cytogenetic location: 16p11.2.
Variant type: single nucleotide variant.
Coding change: c.1610-7C>T on transcript NM_007317.3 (MANE Select); 7 bases into the intron before coding-DNA position 1610, C replaced by T.
Molecular consequence: intron variant.
Genome position (GRCh38, 1-based): chr16:29,803,991, C>T. VCF-style: chr16-29803991-C-T. GRCh37 (hg19) VCF-style: chr16-29815312-C-T.
Other names: c.1406-7C>T (NM_001256269.2, NM_001256270.1).
Identifiers: ClinVar variation 3047237 (VCV003047237.4), dbSNP rs368708864, ClinGen allele CA7993353.

ClinVar aggregate classification (germline): Likely benign. Review status: criteria provided, single submitter (1 of 4 stars). 2 submissions from 2 submitters: Likely benign (1). 1 of the submissions does not count toward it. Last evaluated 2024-03-07.

Conditions:
KIF22-related disorder. Also called: KIF22-related condition.

Allele frequency attached by ClinVar (database versions not stated): gnomAD exomes 0.00001; TOPMed 0.00001; ExAC 0.00002; gnomAD 0.00002; ESP Exome Variant Server 0.00008.
gnomAD v4.1: 16 of 1,612,208 alleles (0.00099%); highest among the groups gnomAD compares: Middle Eastern, 0.017%; no homozygotes.

Submissions (2):

Labcorp Genetics (formerly Invitae), Labcorp
Classification: Likely benign. Last evaluated: 2024-03-07. Review status: criteria provided, single submitter. Criteria: Invitae Variant Classification Sherloc (09022015). Collection method: clinical testing. Allele origin: germline.

PreventionGenetics, part of Exact Sciences
Classification: Likely benign for KIF22-related condition. Last evaluated: 2019-04-09. Review status: no assertion criteria provided. Collection method: clinical testing. Allele origin: germline. Not counted in ClinVar's aggregate classification.
Comment: This variant is classified as likely benign based on ACMG/AMP sequence variant interpretation guidelines (Richards et al. 2015 PMID: 25741868, with internal and published modifications).